The following is an entry in ClinVar:

ClinVar aggregate classification (germline): Uncertain significance. Review status: criteria provided, multiple submitters, no conflicts (2 of 4 stars). 2 submissions from 2 submitters: Uncertain significance (2). Last evaluated 2025-10-09.

gnomAD v4.1: 65 of 1,570,554 alleles (0.0041%); highest among the groups gnomAD compares: South Asian, 0.074%; 1 homozygote.

Submissions (2):

Labcorp Genetics (formerly Invitae), Labcorp
Classification: Uncertain significance. Last evaluated: 2025-10-09. Review status: criteria provided, single submitter. Criteria: Invitae Variant Classification Sherloc (09022015). Collection method: clinical testing. Allele origin: germline.
Comment: This sequence change replaces isoleucine, which is neutral and non-polar, with methionine, which is neutral and non-polar, at codon 255 of the RFWD3 protein (p.Ile255Met). This variant is present in population databases (rs762552515, gnomAD 0.06%), and has an allele count higher than expected for a pathogenic variant. This variant has not been reported in the literature in individuals affected with RFWD3-related conditions. ClinVar contains an entry for this variant (Variation ID: 2646859). An algorithm developed to predict the effect of missense changes on protein structure and function outputs the following: PolyPhen-2: "Benign". The methionine amino acid residue is found in multiple mammalian species, which suggests that this missense change does not adversely affect protein function. In summary, the available evidence is currently insufficient to determine the role of this variant in disease. Therefore, it has been classified as a Variant of Uncertain Significance.

CeGaT Center for Human Genetics Tuebingen
Classification: Uncertain significance. Last evaluated: 2023-07-01. Review status: criteria provided, single submitter. Criteria: CeGaT Center For Human Genetics Tuebingen Variant Classification Criteria Version 2. Collection method: clinical testing. Allele origin: germline. Affected: yes. Observed: 1 variant allele.
Comment: RFWD3: PM2, BP4

NM_018124.4(RFWD3):c.765C>G (p.Ile255Met)

Gene: RFWD3 (ring finger and WD repeat domain 3; minus strand). Cytogenetic location: 16q23.1.
Variant type: single nucleotide variant.
Coding change: c.765C>G on transcript NM_018124.4 (MANE Select); coding-DNA position 765, C replaced by G.
Protein change: p.Ile255Met; replaces isoleucine 255 with methionine.
Molecular consequence: missense variant. On other transcripts: 5 prime UTR variant (3), intron variant (2).
Genome position (GRCh38, 1-based): chr16:74,649,159, G>C on the plus strand (C>G on the coding strand, the complement: RFWD3 is on the minus strand). VCF-style: chr16-74649159-G-C. GRCh37 (hg19) VCF-style: chr16-74683057-G-C.
Other names: c.765C>G, p.Ile255Met (NM_001370534.1, NM_001370535.1, NM_001370536.1); c.-244C>G (NM_001370537.1); c.-70C>G (NM_001370539.1, NM_001370540.1, NM_001370541.1); c.-43+2761C>G (NM_001370543.1); c.-164-81C>G (NM_001370542.1); short protein forms I255M.
Identifiers: ClinVar variation 2646859 (VCV002646859.26), dbSNP rs762552515, ClinGen allele CA8169456.
Genomic context (GRCh38, chr16:74,649,159, plus strand): 5'-AAATAGATTTTTTTAAAATGATGTTCATATTACCTGTTTGGGGAGGGTCTTGCCTCCATC[G>C]ATACATGTAACTTCTTGCTCTGCTGAGACACCTGCTAGTTGCTCTGCCAAGTCATTTCCA-3'
Protein context (NP_060594.3, residues 245-265): GVSAEQEVTC[Ile255Met]DGGKTLPKQP